The following is an entry in ClinVar:

NM_001382391.1(CSPP1):c.-47A>G

Gene: CSPP1 (centrosome and spindle pole associated protein 1; plus strand). Cytogenetic location: 8q13.1.
Variant type: single nucleotide variant.
Coding change: c.-47A>G on transcript NM_001382391.1 (MANE Select); 47 bases upstream of the start codon, A replaced by G.
Molecular consequence: 5 prime UTR variant. On other transcripts: intron variant (6).
Genome position (GRCh38, 1-based): chr8:67,064,502, A>G. VCF-style: chr8-67064502-A-G. GRCh37 (hg19) VCF-style: chr8-67976737-A-G.
Other names: c.-47A>G (NM_001363131.2, NM_001363132.2, NM_001363133.2); c.98+6A>G (NM_001364869.1, NM_024790.7, NM_001438331.1 and 3 more transcripts).
Identifiers: ClinVar variation 1950176 (VCV001950176.5), dbSNP rs2487988568, ClinGen allele CA2579180389.

ClinVar aggregate classification (germline): Uncertain significance (1 of 4 stars; one submission).

Conditions:
Joubert syndrome 21 (JBTS21). Identifiers: MedGen C3810212, MONDO:0014288, OMIM 615636.

Allele frequency attached by ClinVar (database versions not stated): gnomAD exomes below 0.00001.
gnomAD v4.1: 1 of 1,613,520 alleles (0.000062%); highest among the groups gnomAD compares: Non-Finnish European, 0.000085%; no homozygotes.

Submission:

Labcorp Genetics (formerly Invitae), Labcorp
Classification: Uncertain significance for Joubert syndrome 21. Last evaluated: 2023-08-04. Review status: criteria provided, single submitter. Criteria: Invitae Variant Classification Sherloc (09022015). Collection method: clinical testing. Allele origin: germline.
Comment: In summary, the available evidence is currently insufficient to determine the role of this variant in disease. Therefore, it has been classified as a Variant of Uncertain Significance. Variants that disrupt the consensus splice site are a relatively common cause of aberrant splicing (PMID: 17576681, 9536098). Algorithms developed to predict the effect of sequence changes on RNA splicing suggest that this variant may create or strengthen a splice site. ClinVar contains an entry for this variant (Variation ID: 1950176). This variant has not been reported in the literature in individuals affected with CSPP1-related conditions. This variant is not present in population databases (gnomAD no frequency). This sequence change falls in intron 1 of the CSPP1 gene. It does not directly change the encoded amino acid sequence of the CSPP1 protein. It affects a nucleotide within the consensus splice site.

Literature cited by the submitters: PubMed 17576681; PubMed 9536098.